The following is an entry in ClinVar:

NM_001174147.2(LMX1B):c.746G>C (p.Arg249Pro)

Gene: LMX1B (LIM homeobox transcription factor 1 beta; plus strand). Cytogenetic location: 9q33.3.
Variant type: single nucleotide variant.
Coding change: c.746G>C on transcript NM_001174147.2 (MANE Select); coding-DNA position 746, G replaced by C.
Protein change: p.Arg249Pro; replaces arginine 249 with proline.
Molecular consequence: missense variant.
Genome position (GRCh38, 1-based): chr9:126,693,528, G>C. VCF-style: chr9-126693528-G-C. GRCh37 (hg19) VCF-style: chr9-129455807-G-C.
Other names: c.746G>C, p.Arg249Pro (NM_001174146.2, NM_002316.4); short protein forms R249P.
Identifiers: ClinVar variation 830002 (VCV000830002.3), dbSNP rs1056252582, ClinGen allele CA374913771.
Genomic context (GRCh38, chr9:126,693,528, plus strand): 5'-CATCTCCCCGTTGCTGCCCCTGGAGGGCCTGACCTGTTCCCCTCTCTCTGAGCCAGGTCC[G>C]AGAGACACTGGCAGCTGAGACGGGCCTCAGTGTGCGCGTGGTCCAGGTCTGGTTTCAGAA-3'
Protein context (NP_001167618.1, residues 239-259): EVSSKPCRKV[Arg249Pro]ETLAAETGLS

ClinVar aggregate classification (germline): Pathogenic. Review status: criteria provided, single submitter (1 of 4 stars). 2 submissions from 2 submitters: Pathogenic (1). 1 of the submissions does not count toward it. Last evaluated 2025-01-22.

Conditions:
Nail-patella syndrome (NPS). Also called: FONG DISEASE; ONYCHOOSTEODYSPLASIA; TURNER-KIESER SYNDROME. Identifiers: Orphanet 2614, MedGen C0027341, MONDO:0008061, OMIM 161200.

Submissions (2):

GeneDx
Classification: Pathogenic. Last evaluated: 2025-01-22. Review status: criteria provided, single submitter. Criteria: GeneDx Variant Classification Process June 2021. Collection method: clinical testing. Allele origin: germline. Affected: yes.
Comment: Reported in a patient with nail, patella, and elbow hypoplasia (PMID: 9837817); Not observed at significant frequency in large population cohorts (gnomAD); In silico analysis supports that this missense variant has a deleterious effect on protein structure/function; This variant is associated with the following publications: (PMID: 9837817)

Bioscientia Institut fuer Medizinische Diagnostik GmbH, Sonic Healthcare
Classification: Pathogenic for Nail-patella syndrome. Last evaluated: 2019-08-07. Review status: no assertion criteria provided. Collection method: clinical testing. Allele origin: germline. Affected: yes. Not counted in ClinVar's aggregate classification.